The following is an entry in ClinVar:

NM_014112.5(TRPS1):c.341C>T (p.Pro114Leu)

Gene: TRPS1 (transcriptional repressor GATA binding 1; minus strand). Cytogenetic location: 8q23.3.
Variant type: single nucleotide variant.
Coding change: c.341C>T on transcript NM_014112.5 (MANE Select); coding-DNA position 341, C replaced by T.
Protein change: p.Pro114Leu; replaces proline 114 with leucine.
Molecular consequence: missense variant.
Genome position (GRCh38, 1-based): chr8:115,619,757, G>A on the plus strand (C>T on the coding strand, the complement: TRPS1 is on the minus strand). VCF-style: chr8-115619757-G-A. GRCh37 (hg19) VCF-style: chr8-116631984-G-A.
Other names: c.314C>T, p.Pro105Leu (NM_001282902.3); c.320C>T, p.Pro107Leu (NM_001282903.3); c.302C>T, p.Pro101Leu (NM_001330599.2); short protein forms P101L, P105L, P107L, P114L.
Identifiers: ClinVar variation 1980218 (VCV001980218.4), dbSNP rs1196741344, ClinGen allele CA372069836.

ClinVar aggregate classification (germline): Uncertain significance (1 of 4 stars; one submission).

Conditions:
Trichorhinophalangeal dysplasia type I (TRPS1). Also called: TRICHORHINOPHALANGEAL SYNDROME, TYPE I; TRPS I. Identifiers: Orphanet 77258, MedGen C0432233, MONDO:0008596, OMIM 190350.
Trichorhinophalangeal syndrome, type III (TRPS3). Also called: SUGIO-KAJII SYNDROME. Identifiers: Orphanet 77258, MedGen C1860823, OMIM 190351, MONDO:0008597.

Allele frequency attached by ClinVar (database versions not stated): gnomAD exomes below 0.00001; TOPMed below 0.00001; gnomAD 0.00001.
gnomAD v4.1: 7 of 1,614,066 alleles (0.00043%); highest among the groups gnomAD compares: East Asian, 0.0067%; no homozygotes.

Submission:

Labcorp Genetics (formerly Invitae), Labcorp
Classification: Uncertain significance for Trichorhinophalangeal syndrome, type III; Trichorhinophalangeal dysplasia type I. Last evaluated: 2022-02-20. Review status: criteria provided, single submitter. Criteria: Invitae Variant Classification Sherloc (09022015). Collection method: clinical testing. Allele origin: germline.
Comment: This sequence change replaces proline, which is neutral and non-polar, with leucine, which is neutral and non-polar, at codon 114 of the TRPS1 protein (p.Pro114Leu). This variant is present in population databases (no rsID available, gnomAD 0.006%). This variant has not been reported in the literature in individuals affected with TRPS1-related conditions. Algorithms developed to predict the effect of missense changes on protein structure and function are either unavailable or do not agree on the potential impact of this missense change (SIFT: "Deleterious"; PolyPhen-2: "Benign"; Align-GVGD: "Class C15"). In summary, the available evidence is currently insufficient to determine the role of this variant in disease. Therefore, it has been classified as a Variant of Uncertain Significance.